The following is an entry in ClinVar:

ClinVar aggregate classification (germline): Conflicting classifications of pathogenicity. Review status: criteria provided, conflicting classifications (1 of 4 stars). 8 submissions from 8 submitters: Uncertain significance (5); Likely benign (2). 1 of the submissions does not count toward it. Last evaluated 2025-08-04.

Conditions:
Hereditary cancer-predisposing syndrome. Also called: Hereditary Cancer Syndrome; Hereditary neoplastic syndrome; Neoplastic Syndromes, Hereditary; Tumor predisposition. Identifiers: Orphanet 140162, MedGen C0027672, MeSH D009386, MONDO:0015356.
Hereditary breast ovarian cancer syndrome. Also called: BRCA1- and BRCA2-Associated Hereditary Breast and Ovarian Cancer; Hereditary breast and ovarian cancer syndrome; Hereditary breast and ovarian cancer syndrome (HBOC); Breast and ovarian cancer; Hereditary breast and/or ovarian cancer syndrome; Hereditary breast and ovarian cancer. Identifiers: Orphanet 145, MedGen C0677776, MeSH D061325, MONDO:0003582. Disease mechanism: loss of function.
Breast-ovarian cancer, familial, susceptibility to, 1 (BROVCA1). Also called: BRCA1 Hereditary Breast and Ovarian Cancer; OVARIAN CANCER, SUSCEPTIBILITY TO. Identifiers: Orphanet 145, MedGen C2676676, MONDO:0011450, OMIM 604370. Disease mechanism: loss of function.

gnomAD v4.1: 2 of 1,614,094 alleles (0.00012%); highest among the groups gnomAD compares: Non-Finnish European, 0.00017%; no homozygotes.

Submissions (8):

Ambry Genetics
Classification: Uncertain significance for Hereditary cancer-predisposing syndrome. Last evaluated: 2025-08-04. Review status: criteria provided, single submitter. Criteria: Ambry Variant Classification Scheme 2023. Collection method: clinical testing. Allele origin: germline.
Comment: The p.V419G variant (also known as c.1256T>G), located in coding exon 9 of the BRCA1 gene, results from a T to G substitution at nucleotide position 1256. The valine at codon 419 is replaced by glycine, an amino acid with dissimilar properties. This amino acid position is not well conserved in available vertebrate species. In addition, the in silico prediction for this alteration is inconclusive. Since supporting evidence is limited at this time, the clinical significance of this alteration remains unclear.

Labcorp Genetics (formerly Invitae), Labcorp
Classification: Uncertain significance for Hereditary breast ovarian cancer syndrome. Last evaluated: 2025-07-29. Review status: criteria provided, single submitter. Criteria: Invitae Variant Classification Sherloc (09022015). Collection method: clinical testing. Allele origin: germline.
Comment: This sequence change replaces valine, which is neutral and non-polar, with glycine, which is neutral and non-polar, at codon 419 of the BRCA1 protein (p.Val419Gly). This variant is not present in population databases (gnomAD no frequency). This variant has not been reported in the literature in individuals affected with BRCA1-related conditions. ClinVar contains an entry for this variant (Variation ID: 91542). Invitae Evidence Modeling of protein sequence and biophysical properties (such as structural, functional, and spatial information, amino acid conservation, physicochemical variation, residue mobility, and thermodynamic stability) has been performed for this missense variant. However, the output from this modeling did not meet the statistical confidence thresholds required to predict the impact of this variant on BRCA1 protein function. In summary, the available evidence is currently insufficient to determine the role of this variant in disease. Therefore, it has been classified as a Variant of Uncertain Significance.

Color Diagnostics, LLC DBA Color Health
Classification: Uncertain significance for Hereditary cancer-predisposing syndrome. Last evaluated: 2025-03-18. Review status: criteria provided, single submitter. Criteria: ACMG Guidelines, 2015. Collection method: clinical testing. Allele origin: germline.
Comment: This missense variant replaces valine with glycine at codon 419 of the BRCA1 protein. Computational prediction is inconclusive regarding the impact of this variant on protein structure and function. To our knowledge, functional studies have not been reported for this variant. This variant has not been reported in individuals affected with BRCA1-related disorders in the literature. This variant has not been identified in the general population by the Genome Aggregation Database (gnomAD). The available evidence is insufficient to determine the role of this variant in disease conclusively. Therefore, this variant is classified as a Variant of Uncertain Significance.

Myriad Genetics, Inc.
Classification: Likely benign for Breast-ovarian cancer, familial, susceptibility to, 1. Last evaluated: 2024-07-18. Review status: criteria provided, single submitter. Criteria: Myriad Autosomal Dominant, Autosomal Recessive and X-Linked Classification Criteria (2023). Collection method: clinical testing. Allele origin: unknown.
Comment: This variant is considered likely benign. This variant is strongly associated with less severe personal and family histories of cancer, typical for individuals without pathogenic variants in this gene [PMID: 25085752].

All of Us Research Program, National Institutes of Health
Classification: Uncertain significance for Breast-ovarian cancer, familial, susceptibility to, 1. Last evaluated: 2023-06-08. Review status: criteria provided, single submitter. Criteria: ACMG Guidelines, 2015. Collection method: clinical testing. Allele origin: germline. Inheritance: Autosomal dominant inheritance. Observed: 1 variant allele, 1 heterozygote.
Comment: This missense variant replaces valine with glycine at codon 419 of the BRCA1 protein. Computational prediction is inconclusive regarding the impact of this variant on protein structure and function (internally defined REVEL score threshold 0.5 < inconclusive < 0.7, PMID: 27666373). To our knowledge, functional studies have not been reported for this variant. This variant has not been reported in individuals affected with BRCA1-related disorders in the literature. This variant has not been identified in the general population by the Genome Aggregation Database (gnomAD). The available evidence is insufficient to determine the role of this variant in disease conclusively. Therefore, this variant is classified as a Variant of Uncertain Significance.

This study involves interpretation of variants in research participants for the purpose of population health screening. Participant phenotype was not available at the time of variant classification. Additional details can be found in publication PMID: 35346344, PMCID: PMC8962531

University of Washington Department of Laboratory Medicine, University of Washington
Classification: Likely benign for Hereditary cancer-predisposing syndrome. Last evaluated: 2023-03-23. Review status: criteria provided, single submitter. Criteria: Dines et al. (Genet Med. 2020). Collection method: curation. Allele origin: germline.
Comment: Missense variant in a coldspot region where missense variants are very unlikely to be pathogenic (PMID:31911673).

BRCA1 coldspot (exon 11 using historical exon numbering). Reclassification based on statistical prior probability

Women's Health and Genetics/Laboratory Corporation of America, LabCorp
Classification: Uncertain significance. Last evaluated: 2023-03-16. Review status: criteria provided, single submitter. Criteria: LabCorp Variant Classification Summary - May 2015. Collection method: clinical testing. Allele origin: germline.
Comment: Variant summary: BRCA1 c.1256T>G (p.Val419Gly) results in a non-conservative amino acid change located in the BRCA1, serine-rich domain of the encoded protein sequence. Four of five in-silico tools predict a benign effect of the variant on protein function. The variant was absent in 250804 control chromosomes. The available data on variant occurrences in the general population are insufficient to allow any conclusion about variant significance. To our knowledge, no occurrence of c.1256T>G in individuals affected with Hereditary Breast And Ovarian Cancer Syndrome and no experimental evidence demonstrating its impact on protein function have been reported. Co-occurrences with other pathogenic variant(s) have been reported (BRCA2 c.4876_4877delAA, p.N1626fs*12, internal data), providing supporting evidence for a benign role. Two clinical diagnostic laboratories have submitted clinical-significance assessments for this variant to ClinVar after 2014 without evidence for independent evaluation. All laboratories classified the variant as uncertain significance. Based on the evidence outlined above, the variant was classified as uncertain significance.

Sharing Clinical Reports Project (SCRP)
Classification: Uncertain significance for Breast-ovarian cancer, familial 1. Last evaluated: 2013-03-07. Review status: no assertion criteria provided. Collection method: clinical testing. Allele origin: germline. Not counted in ClinVar's aggregate classification.

Literature cited by the submitters: PubMed 25085752 (cited by Myriad Genetics, Inc.).

NM_007294.4(BRCA1):c.1256T>G (p.Val419Gly)

Gene: BRCA1 (BRCA1 DNA repair associated; minus strand). Cytogenetic location: 17q21.31.
Variant type: single nucleotide variant.
Coding change: c.1256T>G on transcript NM_007294.4 (MANE Select); coding-DNA position 1256, T replaced by G.
Protein change: p.Val419Gly; replaces valine 419 with glycine.
Molecular consequence: missense variant. On other transcripts: intron variant (137).
Genome position (GRCh38, 1-based): chr17:43,094,275, A>C on the plus strand (T>G on the coding strand, the complement: BRCA1 is on the minus strand). VCF-style: chr17-43094275-A-C. GRCh37 (hg19) VCF-style: chr17-41246292-A-C.
Other names: 1375T>G; c.1253T>G, p.Val418Gly (NM_001407615.1, NM_001407634.1, NM_001407635.1 and 22 more transcripts); c.1256T>G, p.Val419Gly (NM_001407616.1, NM_001407617.1, NM_001407618.1 and 30 more transcripts); c.1178T>G, p.Val393Gly (NM_001407656.1, NM_001407657.1, NM_001407658.1 and 4 more transcripts); c.1175T>G, p.Val392Gly (NM_001407659.1, NM_001407660.1, NM_001407661.1 and 1 more transcripts); c.1133T>G, p.Val378Gly (NM_001407664.1, NM_001407665.1, NM_001407675.1 and 19 more transcripts); c.1115T>G, p.Val372Gly (NM_001407695.1, NM_001407696.1, NM_001407697.1 and 29 more transcripts); c.1112T>G, p.Val371Gly (NM_001407740.1, NM_001407741.1, NM_001407742.1 and 20 more transcripts); and 41 more; short protein forms V419G, V372G, V307G, V349G, V352G, V123G, V308G, V416G.
Identifiers: ClinVar variation 91542 (VCV000091542.20), dbSNP rs398122628, ClinGen allele CA000828.
Genomic context (GRCh38, chr17:43,094,275, plus strand): 5'-GCCTCATGAGGATCACTGGCCAGTAAGTCTATTTTCTCTGAAGAACCAGAATATTCATCT[A>C]CCTCATTTAGAACGTCCAATACATCAGCTACTTTGGCATTTGATTCAGACTCCCCATCAT-3'
Protein context (NP_009225.1, residues 409-429): VADVLDVLNE[Val419Gly]DEYSGSSEKI